The following is an entry in ClinVar:

NM_000038.6(APC):c.934-1544C>T

Gene: APC (APC regulator of WNT signaling pathway; plus strand). Cytogenetic location: 5q22.2.
Variant type: single nucleotide variant.
Coding change: c.934-1544C>T on transcript NM_000038.6 (MANE Select); 1544 bases into the intron before coding-DNA position 934, C replaced by T.
Molecular consequence: intron variant.
Genome position (GRCh38, 1-based): chr5:112,817,422, C>T. VCF-style: chr5-112817422-C-T. GRCh37 (hg19) VCF-style: chr5-112153119-C-T.
Other names: c.934-1544C>T (NM_001354895.2, NM_001127510.3, NM_001354896.2); c.964-1544C>T (NM_001354897.2); c.963+1829C>T (NM_001354902.2); c.880-1544C>T (NM_001127511.3); c.859-1544C>T (NM_001354898.2); c.858+1829C>T (NM_001354904.2); c.85-1544C>T (NM_001354906.2); c.933+1829C>T (NM_001354903.2); and 3 more.
Identifiers: ClinVar variation 83110 (VCV000083110.2), dbSNP rs2545165, ClinGen allele CA015885.

ClinVar aggregate classification (germline): other (0 of 4 stars; one submission).

Conditions:
Familial colorectal cancer. Identifiers: MedGen CN280943, MONDO:0023113. Disease mechanism: loss of function.

Allele frequency attached by ClinVar (database versions not stated): gnomAD 0.62862 and 0.62136; TOPMed 0.64148; 1000 Genomes Project 30x 0.69129; 1000 Genomes Project 0.69469.
gnomAD v4.1: 95,480 of 151,898 alleles (63%); highest among the groups gnomAD compares: East Asian, 82%; 30,361 homozygotes.

Submission:

Systems Biology Platform Zhejiang California International NanoSystems Institute
Classification: other for Familial colorectal cancer. Review status: no assertion criteria provided. Collection method: not provided. Allele origin: unknown.
ClinVar note: Converted during submission from cancer to other.